The following is an entry in ClinVar:

ClinVar aggregate classification (germline): Uncertain significance (1 of 4 stars; one submission).

Conditions:
Aortic aneurysm, familial thoracic 7 (AAT7). Also called: AORTIC DISSECTION, FAMILIAL, WITH OR WITHOUT AORTIC ANEURYSM. Identifiers: MedGen C3151077, MONDO:0013418, OMIM 613780.

Submission:

Labcorp Genetics (formerly Invitae), Labcorp
Classification: Uncertain significance for Aortic aneurysm, familial thoracic 7. Last evaluated: 2025-02-09. Review status: criteria provided, single submitter. Criteria: Invitae Variant Classification Sherloc (09022015). Collection method: clinical testing. Allele origin: germline.
Comment: This sequence change replaces methionine, which is neutral and non-polar, with isoleucine, which is neutral and non-polar, at codon 1763 of the MYLK protein (p.Met1763Ile). This variant is not present in population databases (gnomAD no frequency). This variant has not been reported in the literature in individuals affected with MYLK-related conditions. Invitae Evidence Modeling of protein sequence and biophysical properties (such as structural, functional, and spatial information, amino acid conservation, physicochemical variation, residue mobility, and thermodynamic stability) indicates that this missense variant is not expected to disrupt MYLK protein function with a negative predictive value of 80%. In summary, the available evidence is currently insufficient to determine the role of this variant in disease. Therefore, it has been classified as a Variant of Uncertain Significance.

NM_053025.4(MYLK):c.5289G>T (p.Met1763Ile)

Genes: MYLK-AS1 (MYLK antisense RNA 1; plus strand), MYLK (myosin light chain kinase; minus strand). Cytogenetic location: 3q21.1.
Variant type: single nucleotide variant.
Coding change: c.5289G>T on transcript NM_053025.4 (MANE Select); coding-DNA position 5289, G replaced by T.
Protein change: p.Met1763Ile; replaces methionine 1763 with isoleucine.
Molecular consequence: missense variant.
Genome position (GRCh38, 1-based): chr3:123,620,286, C>A on the plus strand (G>T on the coding strand, the complement: MYLK is on the minus strand). VCF-style: chr3-123620286-C-A. GRCh37 (hg19) VCF-style: chr3-123339133-C-A.
Other names: c.4761G>T, p.Met1587Ile (NM_001321309.2); c.9G>T, p.Met3Ile (NM_001438035.1, NM_053031.4, NM_053032.4); c.5082G>T, p.Met1694Ile (NM_053026.4); c.5136G>T, p.Met1712Ile (NM_053027.4); c.4929G>T, p.Met1643Ile (NM_053028.4); short protein forms M1587I, M3I, M1643I, M1694I, M1712I, M1763I.
Identifiers: ClinVar variation 4760885 (VCV004760885.1).